The following is an entry in ClinVar:

ClinVar aggregate classification (germline): Pathogenic (1 of 4 stars; one submission).

Conditions:
Multiple endocrine neoplasia, type 1 (MEN1). Also called: MEA I; MEN I; WERMER SYNDROME; Endocrine adenomatosis multiple; MEN 1. Identifiers: Orphanet 652, MedGen C0025267, MeSH D018761, MONDO:0007540, OMIM 131100.

Submission:

Labcorp Genetics (formerly Invitae), Labcorp
Classification: Pathogenic for Multiple endocrine neoplasia, type 1. Last evaluated: 2023-06-29. Review status: criteria provided, single submitter. Criteria: Invitae Variant Classification Sherloc (09022015). Collection method: clinical testing. Allele origin: germline.
Comment: This sequence change creates a premature translational stop signal (p.Ala194Serfs*2) in the MEN1 gene. It is expected to result in an absent or disrupted protein product. Loss-of-function variants in MEN1 are known to be pathogenic (PMID: 12112656, 17853334). This variant is not present in population databases (gnomAD no frequency). This variant has not been reported in the literature in individuals affected with MEN1-related conditions. Algorithms developed to predict the effect of sequence changes on RNA splicing suggest that this variant may create or strengthen a splice site. For these reasons, this variant has been classified as Pathogenic.

Literature cited by the submitters: PubMed 12112656; PubMed 17853334.

NM_001370259.2(MEN1):c.578dup (p.Ala194fs)

Gene: MEN1 (menin 1; minus strand). Cytogenetic location: 11q13.1.
Variant type: Duplication.
Coding change: c.578dup on transcript NM_001370259.2 (MANE Select); coding-DNA position 578, one base duplicated (C; older notation c.578dupC).
Protein change: p.Ala194fs; shifts the reading frame from alanine 194.
Molecular consequence: frameshift variant. On other transcripts: non-coding transcript variant (4), intron variant (5).
Genome position (GRCh38, 1-based): chr11:64,807,967, G duplicated on the plus strand (C on the coding strand, the reverse complement: MEN1 is on the minus strand). VCF-style (leftmost placement, unchanged base first): chr11-64807966-T-TG. GRCh37 (hg19) VCF-style: chr11-64575438-T-TG.
Other names: c.578dup, p.Ala194fs (NM_001407147.1, NM_001407152.1, NM_130799.3 and 7 more transcripts); c.593dup, p.Ala199fs (NM_001407150.1, NM_130800.3, NM_130801.3 and 5 more transcripts); c.549+29dup (NM_001407148.1, NM_001407149.1, NM_001407151.1 and 2 more transcripts); short protein forms A194fs, A199fs.
Identifiers: ClinVar variation 2866772 (VCV002866772.3), dbSNP rs2497220989, ClinGen allele CA2739270493.
Genomic context (GRCh38, chr11:64,807,966, plus strand): 5'-GGCATTGACTGTCTGGCCCCTGCGGTCCTCGTTGCCCTTGCCGTGCCAGGTGACCTCAGC[T>TG]GTCTGCTCCCCATTGGGCCCAAACACTACCCAGGCATGATCCTCAGACAGGGCGAGGTGG-3'